The following is an entry in ClinVar:

ClinVar aggregate classification (germline): Uncertain significance (1 of 4 stars; one submission).

Submission:

Labcorp Genetics (formerly Invitae), Labcorp
Classification: Uncertain significance. Last evaluated: 2025-08-04. Review status: criteria provided, single submitter. Criteria: Invitae Variant Classification Sherloc (09022015). Collection method: clinical testing. Allele origin: germline.
Comment: This sequence change replaces glycine, which is neutral and non-polar, with serine, which is neutral and polar, at codon 50 of the TACSTD2 protein (p.Gly50Ser). The frequency data for this variant in the population databases is considered unreliable, as metrics indicate poor data quality at this position in the gnomAD database. This variant has not been reported in the literature in individuals affected with TACSTD2-related conditions. Invitae Evidence Modeling of protein sequence and biophysical properties (such as structural, functional, and spatial information, amino acid conservation, physicochemical variation, residue mobility, and thermodynamic stability) indicates that this missense variant is not expected to disrupt TACSTD2 protein function with a negative predictive value of 80%. In summary, the available evidence is currently insufficient to determine the role of this variant in disease. Therefore, it has been classified as a Variant of Uncertain Significance.

NM_002353.3(TACSTD2):c.148G>A (p.Gly50Ser)

Gene: TACSTD2 (tumor associated calcium signal transducer 2; minus strand). Cytogenetic location: 1p32.1.
Variant type: single nucleotide variant.
Coding change: c.148G>A on transcript NM_002353.3 (MANE Select); coding-DNA position 148, G replaced by A.
Protein change: p.Gly50Ser; replaces glycine 50 with serine.
Molecular consequence: missense variant.
Genome position (GRCh38, 1-based): chr1:58,577,009, C>T on the plus strand (G>A on the coding strand, the complement: TACSTD2 is on the minus strand). VCF-style: chr1-58577009-C-T. GRCh37 (hg19) VCF-style: chr1-59042681-C-T.
Other names: short protein forms G50S.
Identifiers: ClinVar variation 4807016 (VCV004807016.1).